The following is an entry in ClinVar:

NM_003690.5(PRKRA):c.704G>C (p.Ser235Thr)

Genes: CHROMR (cholesterol induced regulator of metabolism RNA; plus strand), PRKRA (protein activator of interferon induced protein kinase EIF2AK2; minus strand). Cytogenetic location: 2q31.2.
Variant type: single nucleotide variant.
Coding change: c.704G>C on transcript NM_003690.5 (MANE Select); coding-DNA position 704, G replaced by C.
Protein change: p.Ser235Thr; replaces serine 235 with threonine.
Molecular consequence: missense variant.
Genome position (GRCh38, 1-based): chr2:178,436,225, C>G on the plus strand (G>C on the coding strand, the complement: PRKRA is on the minus strand). VCF-style: chr2-178436225-C-G. GRCh37 (hg19) VCF-style: chr2-179300952-C-G.
Other names: c.671G>C, p.Ser224Thr (NM_001139517.2); c.629G>C, p.Ser210Thr (NM_001139518.2); c.365G>C, p.Ser122Thr (NM_001316362.2); short protein forms S235T, S122T, S210T, S224T.
Identifiers: ClinVar variation 290962 (VCV000290962.52), dbSNP rs756005650, ClinGen allele CA1983788.

ClinVar aggregate classification (germline): Uncertain significance. Review status: criteria provided, multiple submitters, no conflicts (2 of 4 stars). 3 submissions from 3 submitters: Uncertain significance (3). Last evaluated 2022-05-24.

Conditions:
Dystonia 16 (DYT16). Also called: DYT-PRKRA. Identifiers: Orphanet 210571, MedGen C2677567, MONDO:0012789, OMIM 612067.

Allele frequency attached by ClinVar (database versions not stated): gnomAD exomes 0.00001 and 0.00005; ExAC 0.00002; gnomAD 0.00002 and 0.00005.
gnomAD v4.1: 31 of 1,612,970 alleles (0.0019%); highest among the groups gnomAD compares: East Asian, 0.047%; no homozygotes.

Submissions (3):

Labcorp Genetics (formerly Invitae), Labcorp
Classification: Uncertain significance for Dystonia 16. Last evaluated: 2022-05-24. Review status: criteria provided, single submitter. Criteria: Invitae Variant Classification Sherloc (09022015). Collection method: clinical testing. Allele origin: germline.
Comment: This variant is present in population databases (rs756005650, gnomAD 0.06%). In summary, the available evidence is currently insufficient to determine the role of this variant in disease. Therefore, it has been classified as a Variant of Uncertain Significance. Algorithms developed to predict the effect of missense changes on protein structure and function (SIFT, PolyPhen-2, Align-GVGD) all suggest that this variant is likely to be tolerated. ClinVar contains an entry for this variant (Variation ID: 290962). This variant has not been reported in the literature in individuals affected with PRKRA-related conditions. This sequence change replaces serine, which is neutral and polar, with threonine, which is neutral and polar, at codon 235 of the PRKRA protein (p.Ser235Thr).

CeGaT Center for Human Genetics Tuebingen
Classification: Uncertain significance. Last evaluated: 2017-07-01. Review status: criteria provided, single submitter. Criteria: CeGaT Center For Human Genetics Tuebingen Variant Classification Criteria Version 2. Collection method: clinical testing. Allele origin: germline. Affected: yes. Observed: 1 variant allele.

Eurofins Ntd Llc (ga)
Classification: Uncertain significance. Last evaluated: 2016-08-26. Review status: criteria provided, single submitter. Criteria: EGL Classification Definitions 2015. Collection method: clinical testing. Allele origin: germline. Observed: 1 variant allele, 1 heterozygote.